The following is an entry in ClinVar:

ClinVar aggregate classification (germline): Uncertain significance. Review status: criteria provided, multiple submitters, no conflicts (2 of 4 stars). 3 submissions from 3 submitters: Uncertain significance (3). Last evaluated 2025-07-14.

Conditions:
Inborn genetic diseases. Identifiers: MedGen C0950123, MeSH D030342.
Inherited glutathione synthetase deficiency. Identifiers: Orphanet 32, MedGen C5979912, MONDO:0017909.

Allele frequency attached by ClinVar (database versions not stated): gnomAD 0.00002 and 0.00003; TOPMed 0.00002; ExAC 0.00003; gnomAD exomes 0.00005; ESP Exome Variant Server 0.00008.
gnomAD v4.1: 39 of 1,614,236 alleles (0.0024%); highest among the groups gnomAD compares: Admixed American, 0.012%; no homozygotes.

Submissions (3):

Ambry Genetics
Classification: Uncertain significance for Inborn genetic diseases. Last evaluated: 2025-07-14. Review status: criteria provided, single submitter. Criteria: Ambry Variant Classification Scheme 2023. Collection method: clinical testing. Allele origin: germline.

GeneDx
Classification: Uncertain significance. Last evaluated: 2022-11-29. Review status: criteria provided, single submitter. Criteria: GeneDx Variant Classification Process June 2021. Collection method: clinical testing. Allele origin: germline. Affected: yes.
Comment: In silico analysis supports that this missense variant does not alter protein structure/function; Has not been previously published as pathogenic or benign to our knowledge; This variant is associated with the following publications: (PMID: 27467583)

Illumina Laboratory Services, Illumina
Classification: Uncertain significance for Glutathione synthetase deficiency with 5-oxoprolinuria. Last evaluated: 2018-01-13. Review status: criteria provided, single submitter. Criteria: ICSL Variant Classification Criteria 13 December 2019. Collection method: clinical testing. Allele origin: germline.

NM_000178.4(GSS):c.957G>A (p.Met319Ile)

Gene: GSS (glutathione synthetase; minus strand). Cytogenetic location: 20q11.22.
Variant type: single nucleotide variant.
Coding change: c.957G>A on transcript NM_000178.4 (MANE Select); coding-DNA position 957, G replaced by A.
Protein change: p.Met319Ile; replaces methionine 319 with isoleucine.
Molecular consequence: missense variant.
Genome position (GRCh38, 1-based): chr20:34,932,011, C>T on the plus strand (G>A on the coding strand, the complement: GSS is on the minus strand). VCF-style: chr20-34932011-C-T. GRCh37 (hg19) VCF-style: chr20-33519814-C-T.
Other names: c.957G>A, p.Met319Ile (LRG_1168t1, NM_001322494.1, NM_001322495.1); short protein forms M319I.
Identifiers: ClinVar variation 338298 (VCV000338298.9), dbSNP rs202181009, ClinGen allele CA9825925.